The following is an entry in ClinVar:

ClinVar aggregate classification (germline): Uncertain significance (1 of 4 stars; one submission).

Conditions:
Developmental and epileptic encephalopathy, 9 (DEE9). Also called: Early infantile epileptic encephalopathy 9; EPILEPSY, FEMALE-RESTRICTED, WITH MENTAL RETARDATION; JUBERG-HELLMAN SYNDROME; PCDH19-Related X-Linked Female-Limited Epilepsy with Mental Retardation. Identifiers: Orphanet 101039, Orphanet 2076, MedGen C1848137, MONDO:0010246, OMIM 300088. Disease mechanism: loss of function.

Allele frequency attached by ClinVar (database versions not stated): ExAC 0.00001; gnomAD 0.00001; gnomAD exomes 0.00001.
gnomAD v4.1: 4 of 1,209,756 alleles (0.00033%); highest among the groups gnomAD compares: Non-Finnish European, 0.00045%; no homozygotes.

Submission:

Labcorp Genetics (formerly Invitae), Labcorp
Classification: Uncertain significance for Developmental and epileptic encephalopathy, 9. Last evaluated: 2023-08-28. Review status: criteria provided, single submitter. Criteria: Invitae Variant Classification Sherloc (09022015). Collection method: clinical testing. Allele origin: germline.
Comment: Advanced modeling of protein sequence and biophysical properties (such as structural, functional, and spatial information, amino acid conservation, physicochemical variation, residue mobility, and thermodynamic stability) performed at Invitae indicates that this missense variant is not expected to disrupt PCDH19 protein function. This sequence change replaces valine, which is neutral and non-polar, with alanine, which is neutral and non-polar, at codon 835 of the PCDH19 protein (p.Val835Ala). This variant is present in population databases (rs779650149, gnomAD 0.001%). This variant has not been reported in the literature in individuals affected with PCDH19-related conditions. In summary, the available evidence is currently insufficient to determine the role of this variant in disease. Therefore, it has been classified as a Variant of Uncertain Significance.

NM_001184880.2(PCDH19):c.2504T>C (p.Val835Ala)

Genes: PCDH19 (protocadherin 19; minus strand), LOC125467768 (CDK7 strongly-dependent group 2 enhancer GRCh37_chrX:99657381-99658580; plus strand). Cytogenetic location: Xq22.1.
Variant type: single nucleotide variant.
Coding change: c.2504T>C on transcript NM_001184880.2 (MANE Select); coding-DNA position 2504, T replaced by C.
Protein change: p.Val835Ala; replaces valine 835 with alanine.
Molecular consequence: missense variant.
Genome position (GRCh38, 1-based): chrX:100,402,636, A>G on the plus strand (T>C on the coding strand, the complement: PCDH19 is on the minus strand). VCF-style: chrX-100402636-A-G. GRCh37 (hg19) VCF-style: chrX-99657634-A-G.
Other names: c.2363T>C, p.Val788Ala (NM_001105243.2, NM_020766.3); short protein forms V788A, V835A.
Identifiers: ClinVar variation 3001619 (VCV003001619.3), dbSNP rs779650149, ClinGen allele CA10468762.